The following is an entry in ClinVar:

NM_007374.3(SIX6):c.725G>T (p.Ser242Ile)

Genes: SIX6 (SIX homeobox 6; plus strand), C14orf39 (chromosome 14 open reading frame 39; minus strand). Cytogenetic location: 14q23.1.
Variant type: single nucleotide variant.
Coding change: c.725G>T on transcript NM_007374.3 (MANE Select); coding-DNA position 725, G replaced by T.
Protein change: p.Ser242Ile; replaces serine 242 with isoleucine.
Molecular consequence: missense variant.
Genome position (GRCh38, 1-based): chr14:60,511,236, G>T. VCF-style: chr14-60511236-G-T. GRCh37 (hg19) VCF-style: chr14-60977954-G-T.
Other names: short protein forms S242I.
Identifiers: ClinVar variation 883966 (VCV000883966.4), dbSNP rs746623345, ClinGen allele CA7212670.

ClinVar aggregate classification (germline): Uncertain significance (1 of 4 stars; one submission).

Conditions:
Anophthalmia-microphthalmia syndrome. Also called: Anophthalmia/Microphthalmia; Anophthalmia - microphthalmia. Identifiers: Orphanet 98555, MedGen C5680330, MONDO:0020147.

Allele frequency attached by ClinVar (database versions not stated): ExAC 0.00003; gnomAD 0.00004; gnomAD exomes 0.00006 and 0.00011; TOPMed 0.00012.
gnomAD v4.1: 168 of 1,613,324 alleles (0.01%); highest among the groups gnomAD compares: Non-Finnish European, 0.014%; no homozygotes.

Submission:

Illumina Laboratory Services, Illumina
Classification: Uncertain significance for Anophthalmia-microphthalmia syndrome. Last evaluated: 2017-04-27. Review status: criteria provided, single submitter. Criteria: ICSL Variant Classification Criteria 13 December 2019. Collection method: clinical testing. Allele origin: germline.
Comment: This variant was observed as part of a predisposition screen in an ostensibly healthy population. A literature search was performed for the gene, cDNA change, and amino acid change (where applicable). Publications were found based on this search. However, the evidence from the literature, in combination with allele frequency data from public databases where available, was not sufficient to rule this variant in or out of causing disease. Therefore, this variant is classified as a variant of unknown significance.

Literature cited by the submitters: PubMed 24875647.